The following is an entry in ClinVar:

ClinVar aggregate classification (germline): Uncertain significance (1 of 4 stars; one submission).

gnomAD v4.1: 29 of 1,613,836 alleles (0.0018%); highest among the groups gnomAD compares: Non-Finnish European, 0.0024%; no homozygotes.

Submission:

ARUP Laboratories, Molecular Genetics and Genomics, ARUP Laboratories
Classification: Uncertain significance. Last evaluated: 2024-05-09. Review status: criteria provided, single submitter. Criteria: ARUP Molecular Germline Variant Investigation Process 2024. Collection method: clinical testing. Allele origin: germline.
Comment: The NLRP3 c.884C>T; p.Ser295Phe variant (rs372347924), to our knowledge, is not reported in the medical literature or gene specific databases. This variant is found in the non-Finnish European population with an allele frequency of 0.0026% (3/113,630 alleles) in the Genome Aggregation Database (v2.1.1). Computational analyses are uncertain whether this variant is neutral or deleterious (REVEL: 0.398). Due to limited information, the clinical significance of this variant is uncertain at this time.

NM_001243133.2(NLRP3):c.878C>T (p.Ser293Phe)

Gene: NLRP3 (NLR family pyrin domain containing 3; plus strand). Cytogenetic location: 1q44.
Variant type: single nucleotide variant.
Coding change: c.878C>T on transcript NM_001243133.2 (MANE Select); coding-DNA position 878, C replaced by T.
Protein change: p.Ser293Phe; replaces serine 293 with phenylalanine.
Molecular consequence: missense variant.
Genome position (GRCh38, 1-based): chr1:247,424,327, C>T. VCF-style: chr1-247424327-C-T. GRCh37 (hg19) VCF-style: chr1-247587629-C-T.
Other names: c.878C>T, p.Ser293Phe (NM_001079821.3, NM_001127461.3, NM_001127462.3 and 1 more transcripts); c.884C>T, p.Ser295Phe (NM_004895.5); short protein forms S293F, S295F.
Identifiers: ClinVar variation 3766606 (VCV003766606.1).